The following is an entry in ClinVar:

NM_007347.5(AP4E1):c.1485T>C (p.Tyr495=)

Gene: AP4E1 (adaptor related protein complex 4 subunit epsilon 1; plus strand). Cytogenetic location: 15q21.2.
Variant type: single nucleotide variant.
Coding change: c.1485T>C on transcript NM_007347.5 (MANE Select); coding-DNA position 1485, T replaced by C.
Protein change: p.Tyr495=; no amino-acid change (tyrosine 495 retained).
Molecular consequence: synonymous variant.
Genome position (GRCh38, 1-based): chr15:50,950,106, T>C. VCF-style: chr15-50950106-T-C. GRCh37 (hg19) VCF-style: chr15-51242303-T-C.
Other names: c.1260T>C, p.Tyr420= (NM_001252127.2).
Identifiers: ClinVar variation 240836 (VCV000240836.29), dbSNP rs141477361, ClinGen allele CA7559093.

ClinVar aggregate classification (germline): Likely benign. Review status: criteria provided, multiple submitters, no conflicts (2 of 4 stars). 3 submissions from 3 submitters: Likely benign (3). Last evaluated 2026-03-01.

Conditions:
Spastic paraplegia. Identifiers: MedGen C0037772, HP:0001258.

Allele frequency attached by ClinVar (database versions not stated): ESP Exome Variant Server 0.00015; gnomAD 0.00015 and 0.00017; ExAC 0.00019; TOPMed 0.00020; gnomAD exomes 0.00022 and 0.00028.
gnomAD v4.1: 427 of 1,613,442 alleles (0.026%); highest among the groups gnomAD compares: Admixed American, 0.033%; no homozygotes.

Submissions (3):

CeGaT Center for Human Genetics Tuebingen
Classification: Likely benign. Last evaluated: 2026-03-01. Review status: criteria provided, single submitter. Criteria: CeGaT Center For Human Genetics Tuebingen Variant Classification Criteria Version 2. Collection method: clinical testing. Allele origin: germline. Affected: yes. Observed: 2 variant alleles.
Comment: AP4E1: BP4, BP7

Labcorp Genetics (formerly Invitae), Labcorp
Classification: Likely benign for Spastic paraplegia. Last evaluated: 2025-10-07. Review status: criteria provided, single submitter. Criteria: Invitae Variant Classification Sherloc (09022015). Collection method: clinical testing. Allele origin: germline.

Blueprint Genetics
Classification: Likely benign. Last evaluated: 2024-11-04. Review status: criteria provided, single submitter. Criteria: ACMG Guidelines, 2015. Collection method: clinical testing. Allele origin: germline.